The following is an entry in ClinVar:

NC_000019.9:g.(?_47255735)_(47259270_?)del

Gene: FKRP (fukutin related protein; plus strand). Cytogenetic location: 19q13.32.
Variant type: Deletion.
Identifiers: ClinVar variation 1459886 (VCV001459886.5).

ClinVar aggregate classification (germline): Pathogenic (1 of 4 stars; one submission).

Conditions:
Walker-Warburg congenital muscular dystrophy. Also called: Muscular dystrophy-dystroglycanopathy, type A; Walker-Warburg syndrome. Identifiers: Orphanet 899, MedGen C0265221, MONDO:0000171.

Submission:

Labcorp Genetics (formerly Invitae), Labcorp
Classification: Pathogenic for Walker-Warburg congenital muscular dystrophy. Last evaluated: 2022-02-21. Review status: criteria provided, single submitter. Criteria: Invitae Variant Classification Sherloc (09022015). Collection method: clinical testing. Allele origin: germline.
Comment: For these reasons, this variant has been classified as Pathogenic. This variant has not been reported in the literature in individuals affected with FKRP-related conditions. This variant results in the deletion of part of exon 4 (c.-39-2931_566del) of the FKRP gene. It is expected to result in an absent or disrupted protein product. Loss-of-function variants in FKRP are known to be pathogenic (PMID: 11592034, 12707425, 23591631).

Literature cited by the submitters: PubMed 11592034; PubMed 12707425; PubMed 23591631.